The following is an entry in ClinVar:

ClinVar aggregate classification (germline): Uncertain significance. Review status: criteria provided, multiple submitters, no conflicts (2 of 4 stars). 2 submissions from 2 submitters: Uncertain significance (2). Last evaluated 2025-03-19.

gnomAD v4.1: 6 of 1,613,378 alleles (0.00037%); highest among the groups gnomAD compares: East Asian, 0.0022%; no homozygotes.

Submissions (2):

GeneDx
Classification: Uncertain significance. Last evaluated: 2025-03-19. Review status: criteria provided, single submitter. Criteria: GeneDx Variant Classification Process June 2021. Collection method: clinical testing. Allele origin: germline. Affected: yes.
Comment: Not observed at significant frequency in large population cohorts (gnomAD); In silico analysis supports a deleterious effect on splicing; Has not been previously published as pathogenic or benign to our knowledge

Blueprint Genetics
Classification: Uncertain significance. Last evaluated: 2021-11-17. Review status: criteria provided, single submitter. Criteria: ACMG Guidelines, 2015. Collection method: clinical testing. Allele origin: germline.

NM_001040716.2(PC):c.1826-13G>A

Gene: PC (pyruvate carboxylase; minus strand). Cytogenetic location: 11q13.2.
Variant type: single nucleotide variant.
Coding change: c.1826-13G>A on transcript NM_001040716.2 (MANE Select); 13 bases into the intron before coding-DNA position 1826, G replaced by A.
Molecular consequence: intron variant.
Genome position (GRCh38, 1-based): chr11:66,851,959, C>T on the plus strand (G>A on the coding strand, the complement: PC is on the minus strand). VCF-style: chr11-66851959-C-T. GRCh37 (hg19) VCF-style: chr11-66619430-C-T.
Other names: c.1826-13G>A (NM_001439353.1, NM_000920.4, NM_001439352.1 and 5 more transcripts).
Identifiers: ClinVar variation 4086741 (VCV004086741.2).
Genomic context (GRCh38, chr11:66,851,959, plus strand): 5'-GCCAGGGGCACTCATACAGGAAGCGCATGGCGACGTCAAACGTGGCTCCTGCACAGGAAC[C>T]GAGAGGCCCAGATCAGCTCTGCATGCCTGGGGAACTCCACCAGGCCTTGGAGCTAGCTCT-3'